The following is an entry in ClinVar:

NM_002972.4(SBF1):c.1009A>G (p.Met337Val)

Gene: SBF1 (SET binding factor 1; minus strand). Cytogenetic location: 22q13.33.
Variant type: single nucleotide variant.
Coding change: c.1009A>G on transcript NM_002972.4 (MANE Select); coding-DNA position 1009, A replaced by G.
Protein change: p.Met337Val; replaces methionine 337 with valine.
Molecular consequence: missense variant.
Genome position (GRCh38, 1-based): chr22:50,465,963, T>C on the plus strand (A>G on the coding strand, the complement: SBF1 is on the minus strand). VCF-style: chr22-50465963-T-C. GRCh37 (hg19) VCF-style: chr22-50904392-T-C.
Other names: c.1012A>G, p.Met338Val (NM_001365819.1, NM_001410794.1); c.1009A>G, p.Met337Val (NM_001410795.1); short protein forms M337V, M338V.
Identifiers: ClinVar variation 4681144 (VCV004681144.1).

ClinVar aggregate classification (germline): Uncertain significance (1 of 4 stars; one submission).

Submission:

GeneDx
Classification: Uncertain significance. Last evaluated: 2025-07-03. Review status: criteria provided, single submitter. Criteria: GeneDx Variant Classification Process June 2021. Collection method: clinical testing. Allele origin: germline. Affected: yes.
Comment: Not observed at significant frequency in large population cohorts (gnomAD); In silico analysis suggests that this missense variant does not alter protein structure/function; Has not been previously published as pathogenic or benign to our knowledge; In silico analysis suggests this variant may impact gene splicing. In the absence of RNA/functional studies, the actual effect of this sequence change is unknown.